The following is an entry in ClinVar:

ClinVar aggregate classification (germline): Uncertain significance (1 of 4 stars; one submission).

gnomAD v4.1: 6 of 1,614,076 alleles (0.00037%); highest among the groups gnomAD compares: East Asian, 0.0022%; no homozygotes.

Submission:

GeneDx
Classification: Uncertain significance. Last evaluated: 2024-10-15. Review status: criteria provided, single submitter. Criteria: GeneDx Variant Classification Process June 2021. Collection method: clinical testing. Allele origin: germline. Affected: yes.
Comment: Not observed at significant frequency in large population cohorts (gnomAD); In silico analysis indicates that this missense variant does not alter protein structure/function; Has not been previously published as pathogenic or benign to our knowledge

NM_004456.5(EZH2):c.1073G>A (p.Arg358His)

Gene: EZH2 (enhancer of zeste 2 polycomb repressive complex 2 subunit; minus strand). Cytogenetic location: 7q36.1.
Variant type: single nucleotide variant.
Coding change: c.1073G>A on transcript NM_004456.5 (MANE Select); coding-DNA position 1073, G replaced by A.
Protein change: p.Arg358His; replaces arginine 358 with histidine.
Molecular consequence: missense variant.
Genome position (GRCh38, 1-based): chr7:148,818,044, C>T on the plus strand (G>A on the coding strand, the complement: EZH2 is on the minus strand). VCF-style: chr7-148818044-C-T. GRCh37 (hg19) VCF-style: chr7-148515136-C-T.
Other names: c.1058G>A, p.Arg353His (NM_001203247.2); c.1031G>A, p.Arg344His (NM_001203248.2, NM_001203249.2); c.941G>A, p.Arg314His (NM_152998.3); short protein forms R353H, R358H, R314H, R344H.
Identifiers: ClinVar variation 3781057 (VCV003781057.1).